The following is an entry in ClinVar:

NM_032383.5(HPS3):c.2507T>G (p.Leu836Ter)

Genes: CP (ceruloplasmin; minus strand), HPS3 (HPS3 biogenesis of lysosomal organelles complex 2 subunit 1; plus strand). Cytogenetic location: 3q24.
Variant type: single nucleotide variant.
Coding change: c.2507T>G on transcript NM_032383.5 (MANE Select); coding-DNA position 2507, T replaced by G.
Protein change: p.Leu836Ter; replaces leucine 836 with a stop codon.
Molecular consequence: nonsense.
Genome position (GRCh38, 1-based): chr3:149,163,867, T>G. VCF-style: chr3-149163867-T-G. GRCh37 (hg19) VCF-style: chr3-148881654-T-G.
Other names: c.2012T>G, p.Leu671Ter (NM_001308258.2); c.2507T>G (NM_032383.4); short protein forms L671*, L836*.
Identifiers: ClinVar variation 2676082 (VCV002676082.5), dbSNP rs1271131796, ClinGen allele CA354924725.

ClinVar aggregate classification (germline): Pathogenic/Likely pathogenic. Review status: criteria provided, multiple submitters, no conflicts (2 of 4 stars). 4 submissions from 4 submitters: Pathogenic (2); Likely pathogenic (2). Last evaluated 2026-01-22.

Conditions:
Hermansky-Pudlak syndrome (HPS). Also called: ALBINISM WITH HEMORRHAGIC DIATHESIS AND PIGMENTED RETICULOENDOTHELIAL CELLS. Identifiers: Orphanet 79430, MedGen C0079504, MONDO:0019312.
Hermansky-Pudlak syndrome 3 (HPS3). Identifiers: Orphanet 231512, Orphanet 79430, MedGen C3888001, MONDO:0013555, OMIM 614072.

Allele frequency attached by ClinVar (database versions not stated): TOPMed 0.00001.

Submissions (4):

Natera, Inc.
Classification: Likely pathogenic for Hermansky-Pudlak syndrome. Last evaluated: 2026-01-22. Review status: criteria provided, single submitter. Criteria: Natera Variant Classification Schema (03/2026). Collection method: clinical testing. Allele origin: germline.
Comment: The c.2507T>G variant in HPS3 is a nonsense variant predicted to introduce a stop codon at amino acid 836. This variant is expected to result in nonsense mediated decay, truncation, or a dysfunctional protein product. This variant is rare in the general population with a frequency below the threshold expected for the associated phenotype(s). Given the available evidence, this variant is classified as Likely Pathogenic.

Myriad Genetics, Inc.
Classification: Pathogenic for Hermansky-Pudlak syndrome 3. Last evaluated: 2024-05-14. Review status: criteria provided, single submitter. Criteria: Myriad Autosomal Dominant, Autosomal Recessive and X-Linked Classification Criteria (2023). Collection method: clinical testing. Allele origin: unknown.
Comment: NM_032383.3(HPS3):c.2507T>G(L836*) is expected to be pathogenic in the context of Hermansky-Pudlak syndrome, HPS3-related. This variant is predicted to lead to an abnormal or absent protein product due to the creation of a premature termination codon in HPS3, a gene where loss-of-function variants are known to be pathogenic. Please note: this variant was assessed in the context of healthy population screening.

Labcorp Genetics (formerly Invitae), Labcorp
Classification: Pathogenic. Last evaluated: 2024-02-22. Review status: criteria provided, single submitter. Criteria: Invitae Variant Classification Sherloc (09022015). Collection method: clinical testing. Allele origin: germline.
Comment: This sequence change creates a premature translational stop signal (p.Leu836*) in the HPS3 gene. It is expected to result in an absent or disrupted protein product. Loss-of-function variants in HPS3 are known to be pathogenic (PMID: 11590544). This variant is not present in population databases (gnomAD no frequency). This variant has not been reported in the literature in individuals affected with HPS3-related conditions. For these reasons, this variant has been classified as Pathogenic.

Baylor Genetics
Classification: Likely pathogenic for Hermansky-Pudlak syndrome 3. Last evaluated: 2023-04-21. Review status: criteria provided, single submitter. Criteria: ACMG Guidelines, 2015. Collection method: clinical testing. Allele origin: unknown.

Literature cited by the submitters: PubMed 11590544 (cited by Labcorp Genetics (formerly Invitae), Labcorp).